The following is an entry in ClinVar:

ClinVar aggregate classification (germline): Likely benign (1 of 4 stars; one submission).

Conditions:
Neurodevelopmental disorder with early-onset seizures, facial dysmorphism, and behavioral abnormalities. Identifiers: MedGen C6065923, MONDO:0980709, OMIM 621390.

gnomAD v4.1: 5 of 1,614,174 alleles (0.00031%); highest among the groups gnomAD compares: South Asian, 0.0055%; no homozygotes.

Submission:

Centre for Medical Genetics,  Mumbai
Classification: Likely benign for Neurodevelopmental disorder with early-onset seizures, facial dysmorphism, and behavioral abnormalities. Last evaluated: 2026-02-17. Review status: criteria provided, single submitter. Criteria: ACMG Guidelines, 2015. Collection method: provider interpretation. Allele origin: germline. Inheritance: Autosomal dominant inheritance. Affected: no. Observed: 1 homozygote.
Comment: The variant satisfies PM2 criteria; extremely low frequency in gnomAD population databases. The variant satisfies PP2 criteria; missense variant in a gene with low rate of benign missense mutations and for which missense mutation is a common mechanism of a disease. However, the variant satisfies the BS2 criteria.

Literature cited by the submitters: PubMed 36214804.

NM_014458.4(KLHL20):c.1521C>A (p.Asp507Glu)

Gene: KLHL20 (kelch like family member 20; plus strand). Cytogenetic location: 1q25.1.
Variant type: single nucleotide variant.
Coding change: c.1521C>A on transcript NM_014458.4 (MANE Select); coding-DNA position 1521, C replaced by A.
Protein change: p.Asp507Glu; replaces aspartic acid 507 with glutamic acid.
Molecular consequence: missense variant.
Genome position (GRCh38, 1-based): chr1:173,775,725, C>A. VCF-style: chr1-173775725-C-A. GRCh37 (hg19) VCF-style: chr1-173744864-C-A.
Other names: short protein forms D507E.
Identifiers: ClinVar variation 4795868 (VCV004795868.1).